The following is an entry in ClinVar:

NM_020759.3(STARD9):c.9136A>G (p.Thr3046Ala)

Gene: STARD9 (StAR related lipid transfer domain containing 9; plus strand). Cytogenetic location: 15q15.2.
Variant type: single nucleotide variant.
Coding change: c.9136A>G on transcript NM_020759.3 (MANE Select); coding-DNA position 9136, A replaced by G.
Protein change: p.Thr3046Ala; replaces threonine 3046 with alanine.
Molecular consequence: missense variant.
Genome position (GRCh38, 1-based): chr15:42,690,714, A>G. VCF-style: chr15-42690714-A-G. GRCh37 (hg19) VCF-style: chr15-42982912-A-G.
Other names: short protein forms T3046A.
Identifiers: ClinVar variation 3045536 (VCV003045536.3), dbSNP rs143587129, ClinGen allele CA7514648.

ClinVar aggregate classification (germline): Likely benign. Review status: criteria provided, single submitter (1 of 4 stars). 2 submissions from 2 submitters: Likely benign (1). 1 of the submissions does not count toward it. Last evaluated 2025-09-01.

Conditions:
STARD9-related disorder. Also called: STARD9-related condition.

Allele frequency attached by ClinVar (database versions not stated): ExAC 0.00029; 1000 Genomes Project 30x 0.00062; 1000 Genomes Project 0.00080; gnomAD 0.00086; TOPMed 0.00086; ESP Exome Variant Server 0.00175.
gnomAD v4.1: 240 of 1,537,194 alleles (0.016%); highest among the groups gnomAD compares: African/African-American, 0.29%; 2 homozygotes.

Submissions (2):

Ambry Genetics
Classification: Likely benign. Last evaluated: 2025-09-01. Review status: criteria provided, single submitter. Criteria: Ambry Variant Classification Scheme 2023. Collection method: clinical testing. Allele origin: germline.

PreventionGenetics, part of Exact Sciences
Classification: Likely benign for STARD9-related condition. Last evaluated: 2022-09-07. Review status: no assertion criteria provided. Collection method: clinical testing. Allele origin: germline. Not counted in ClinVar's aggregate classification.
Comment: This variant is classified as likely benign based on ACMG/AMP sequence variant interpretation guidelines (Richards et al. 2015 PMID: 25741868, with internal and published modifications).